The following is an entry in ClinVar:

NM_033380.3(COL4A5):c.3078dup (p.Gly1027fs)

Gene: COL4A5 (collagen type IV alpha 5 chain; plus strand). Cytogenetic location: Xq22.3.
Variant type: Duplication.
Coding change: c.3078dup on transcript NM_033380.3 (MANE Select); coding-DNA position 3078, one base duplicated (A; older notation c.3078dupA).
Protein change: p.Gly1027fs; shifts the reading frame from glycine 1027.
Molecular consequence: frameshift variant.
Genome position (GRCh38, 1-based): chrX:108,625,766, A duplicated; the last of 3 consecutive A bases (chrX:108,625,764-108,625,766); duplicating any one gives the same sequence. VCF-style (leftmost placement, unchanged base first): chrX-108625763-T-TA. GRCh37 (hg19) VCF-style: chrX-107868993-T-TA.
Other names: c.3078dup, p.Gly1027fs (NM_000495.5); short protein forms G1027fs.
Identifiers: ClinVar variation 2681734 (VCV002681734.2), dbSNP rs2524420445.
Genomic context (GRCh38, chrX:108,625,763, plus strand): 5'-AGGTCCCAAAGGTAACCCTGGTCTCCCTGGACAGCCAGGTCTTATAGGACCTCCTGGACT[T>TA]AAAGGAACCATCGGTGATATGGGTTTTCCAGGTGAGTGATGAAAATCTTCCAAATATTTA-3'

ClinVar aggregate classification (germline): Pathogenic (1 of 4 stars; one submission).

Conditions:
X-linked Alport syndrome (ATS1). Also called: NEPHROPATHY AND DEAFNESS, X-LINKED; COL4A5-Related Nephropathy. Identifiers: Orphanet 63, Orphanet 88917, MedGen C4746986, MONDO:0010520, OMIM 301050.

Submission:

Precision Medicine Center, Zhengzhou University
Classification: Pathogenic for X-linked Alport syndrome. Last evaluated: 2023-12-01. Review status: criteria provided, single submitter. Criteria: ACMG Guidelines, 2015. Collection method: clinical testing. Allele origin: maternal. Affected: yes.
Comment: PVS1,PM2_p,PP4